The following is an entry in ClinVar:

NM_021619.3(PRDM12):c.1041CGC[16] (p.Ala356_Ala359dup)

Gene: PRDM12 (PR/SET domain 12; plus strand). Cytogenetic location: 9q34.12.
Variant type: Microsatellite.
Coding change: c.1041CGC[16] on transcript NM_021619.3 (MANE Select); 16 copies in a row of the 3-base unit CGC starting at c.1041; the reference has 12 copies in a row; four copies, 12 bases duplicated; also written c.1065_1076dup.
Protein change: p.Ala356_Ala359dup.
Molecular consequence: inframe insertion.
Genome position (GRCh38, 1-based): chr9:130,681,630-130,681,641, CGCCGCCGCCGC duplicated; duplicating any 12 consecutive bases within chr9:130,681,606-130,681,641 gives the same sequence; the position shown is the placement nearest the transcript's 3' end. VCF-style (leftmost placement, unchanged base first): chr9-130681605-T-TCGCCGCCGCCGC. GRCh37 (hg19) VCF-style: chr9-133556992-T-TCGCCGCCGCCGC.
Other names: p.Ala356_Ala359dup; c.1065_1076dup12 (NM_021619.2); c.1065_1076dup (NM_021619.3, NM_021619.2).
Identifiers: ClinVar variation 542463 (VCV000542463.13), dbSNP rs752427775, ClinGen allele CA658797309.

ClinVar aggregate classification (germline): Conflicting classifications of pathogenicity. Review status: criteria provided, conflicting classifications (1 of 4 stars). 3 submissions from 3 submitters: Uncertain significance (2); Benign (1). Last evaluated 2026-09-01.

Conditions:
PRDM12-related disorder. Also called: PRDM12-related condition.
Congenital insensitivity to pain-hypohidrosis syndrome. Also called: Neuropathy, hereditary sensory and autonomic, type VIII; HSAN VIII. Identifiers: Orphanet 478664, MedGen C4225308, MONDO:0014662, OMIM 616488.

Submissions (3):

PreventionGenetics, part of Exact Sciences
Classification: Uncertain significance for PRDM12-related condition. Last evaluated: 2026-09-01. Review status: criteria provided, single submitter. Criteria: ACMG Guidelines, 2015. Collection method: clinical testing. Allele origin: germline.
Comment: The PRDM12 c.1065_1076dup12 variant is predicted to result in an in-frame duplication (p.Ala356_Ala359dup). To our knowledge, this variant has not been reported in the literature or in a large population database (gnomAD), indicating this variant is rare. Although we suspect that this variant may be benign, at this time, the clinical significance of this variant is uncertain due to the absence of conclusive functional and genetic evidence.

Labcorp Genetics (formerly Invitae), Labcorp
Classification: Benign for Congenital insensitivity to pain-hypohidrosis syndrome. Last evaluated: 2025-12-20. Review status: criteria provided, single submitter. Criteria: Invitae Variant Classification Sherloc (09022015). Collection method: clinical testing. Allele origin: germline.

Mayo Clinic Laboratories, Mayo Clinic
Classification: Uncertain significance. Last evaluated: 2025-02-05. Review status: criteria provided, single submitter. Criteria: ACMG Guidelines, 2015. Collection method: clinical testing. Allele origin: germline. Observed: 1 variant allele.
Comment: BS1

Literature cited by the submitters: PubMed 26005867 (cited by Mayo Clinic Laboratories, Mayo Clinic); PubMed 29949203 (cited by Mayo Clinic Laboratories, Mayo Clinic); PubMed 31128170 (cited by Mayo Clinic Laboratories, Mayo Clinic).